The following is an entry in ClinVar:

NM_030930.4(UNC93B1):c.1578del (p.Gln526fs)

Gene: UNC93B1 (unc-93B1 regulator of TLR signaling; minus strand). Cytogenetic location: 11q13.2.
Variant type: Deletion.
Coding change: c.1578del on transcript NM_030930.4 (MANE Select); coding-DNA position 1578, one base deleted (G; older notation c.1578delG).
Protein change: p.Gln526fs; shifts the reading frame from glutamine 526.
Molecular consequence: frameshift variant.
Genome position (GRCh38, 1-based): chr11:67,991,762, C deleted on the plus strand (G on the coding strand, the reverse complement: UNC93B1 is on the minus strand). VCF-style (leftmost placement, unchanged base first): chr11-67991761-GC-G. GRCh37 (hg19) VCF-style: chr11-67759232-GC-G.
Other names: short protein forms Q526fs.
Identifiers: ClinVar variation 1468247 (VCV001468247.3), dbSNP rs1171666833, ClinGen allele CA600238077.
Genomic context (GRCh38, chr11:67,991,761, plus strand): 5'-AGTTGTCCTCCTCCAAGTAGCGGTAACCGCGCACCTTGTGCTGGGGCCGCGGGATGCGGG[GC>G]TGGCGCGGGGCCACGCCCCGGCGCAGCTTCTGCTCCATCCGCAGGTAGGAGACCGCGGCC-3'

ClinVar aggregate classification (germline): Uncertain significance (1 of 4 stars; one submission).

Conditions:
Encephalopathy, acute, infection-induced (herpes-specific), susceptibility to, 1. Also called: Herpes simplex encephalitis, susceptibility to, 1. Identifiers: Orphanet 1930, MedGen C2750180, MONDO:0024563, OMIM 610551.

Allele frequency attached by ClinVar (database versions not stated): gnomAD 0.00001; gnomAD exomes 0.00001 and 0.00002; TOPMed 0.00001.

Submission:

Labcorp Genetics (formerly Invitae), Labcorp
Classification: Uncertain significance for Encephalopathy, acute, infection-induced (herpes-specific), susceptibility to, 1. Last evaluated: 2022-09-19. Review status: criteria provided, single submitter. Criteria: Invitae Variant Classification Sherloc (09022015). Collection method: clinical testing. Allele origin: germline.
Comment: This sequence change creates a premature translational stop signal (p.Gln526Hisfs*93) in the UNC93B1 gene. While this is not anticipated to result in nonsense mediated decay, it is expected to disrupt the last 72 amino acid(s) of the UNC93B1 protein. This variant is present in population databases (no rsID available, gnomAD 0.002%). This variant has not been reported in the literature in individuals affected with UNC93B1-related conditions. ClinVar contains an entry for this variant (Variation ID: 1468247). Experimental studies and prediction algorithms are not available or were not evaluated, and the functional significance of this variant is currently unknown. In summary, the available evidence is currently insufficient to determine the role of this variant in disease. Therefore, it has been classified as a Variant of Uncertain Significance.